The following is an entry in ClinVar:

ClinVar aggregate classification (germline): Uncertain significance. Review status: criteria provided, multiple submitters, no conflicts (2 of 4 stars). 3 submissions from 3 submitters: Uncertain significance (3). Last evaluated 2025-12-13.

Conditions:
Familial cancer of breast. Also called: BREAST CANCER, FAMILIAL; Hereditary breast cancer; hereditary breast carcinoma. Identifiers: Orphanet 227535, MedGen C0346153, MONDO:0016419, OMIM 114480. Disease mechanism: loss of function.
Hereditary cancer-predisposing syndrome. Also called: Tumor predisposition; Hereditary neoplastic syndrome; Neoplastic Syndromes, Hereditary; Hereditary Cancer Syndrome. Identifiers: Orphanet 140162, MedGen C0027672, MeSH D009386, MONDO:0015356.
CHEK2-related cancer predisposition (TPDS4). Also called: TUMOR PREDISPOSITION SYNDROME 4; CANCER PREDISPOSITION SYNDROME, CHEK2-RELATED; CHEK2-related cancer susceptibility. Identifiers: Orphanet 524, MedGen C5882668, MONDO:0700271, OMIM 609265.

Submissions (3):

Labcorp Genetics (formerly Invitae), Labcorp
Classification: Uncertain significance for Familial cancer of breast. Last evaluated: 2025-12-13. Review status: criteria provided, single submitter. Criteria: Invitae Variant Classification Sherloc (09022015). Collection method: clinical testing. Allele origin: germline.
Comment: This sequence change replaces alanine, which is neutral and non-polar, with threonine, which is neutral and polar, at codon 247 of the CHEK2 protein (p.Ala247Thr). This variant is not present in population databases (gnomAD no frequency). This variant has not been reported in the literature in individuals affected with CHEK2-related conditions. ClinVar contains an entry for this variant (Variation ID: 951661). An algorithm developed to predict the effect of missense changes on protein structure and function (PolyPhen-2) suggests that this variant is likely to be disruptive. In summary, the available evidence is currently insufficient to determine the role of this variant in disease. Therefore, it has been classified as a Variant of Uncertain Significance.

Ambry Genetics
Classification: Uncertain significance for Hereditary cancer-predisposing syndrome. Last evaluated: 2024-04-01. Review status: criteria provided, single submitter. Criteria: Ambry Variant Classification Scheme 2023. Collection method: clinical testing. Allele origin: germline.
Comment: The p.A247T variant (also known as c.739G>A), located in coding exon 5 of the CHEK2 gene, results from a G to A substitution at nucleotide position 739. The alanine at codon 247 is replaced by threonine, an amino acid with similar properties. This amino acid position is highly conserved in available vertebrate species. In addition, this alteration is predicted to be deleterious by in silico analysis. Since supporting evidence is limited at this time, the clinical significance of this alteration remains unclear.

Department of Pathology and Laboratory Medicine, Sinai Health System
Classification: Uncertain significance for CHEK2-related cancer predisposition. Last evaluated: 2023-06-30. Review status: criteria provided, single submitter. Criteria: ACMG Guidelines, 2015. Collection method: clinical testing. Allele origin: germline. Affected: yes.

NM_007194.4(CHEK2):c.739G>A (p.Ala247Thr)

Gene: CHEK2 (checkpoint kinase 2; minus strand). Cytogenetic location: 22q12.1.
Variant type: single nucleotide variant.
Coding change: c.739G>A on transcript NM_007194.4 (MANE Select); coding-DNA position 739, G replaced by A.
Protein change: p.Ala247Thr; replaces alanine 247 with threonine.
Molecular consequence: missense variant.
Genome position (GRCh38, 1-based): chr22:28,711,962, C>T on the plus strand (G>A on the coding strand, the complement: CHEK2 is on the minus strand). VCF-style: chr22-28711962-C-T. GRCh37 (hg19) VCF-style: chr22-29107950-C-T.
Other names: c.868G>A, p.Ala290Thr (NM_001005735.3); c.76G>A, p.Ala26Thr (NM_001257387.3); c.538G>A, p.Ala180Thr (NM_001349956.3); c.739G>A, p.Ala247Thr (NM_145862.3); short protein forms A290T, A180T, A247T, A26T.
Identifiers: ClinVar variation 951661 (VCV000951661.15), dbSNP rs2053411813, ClinGen allele CA411103270.